The following is an entry in ClinVar:

NM_000238.4(KCNH2):c.410T>C (p.Met137Thr)

Gene: KCNH2 (potassium voltage-gated channel subfamily H member 2; minus strand). Cytogenetic location: 7q36.1.
Variant type: single nucleotide variant.
Coding change: c.410T>C on transcript NM_000238.4 (MANE Select); coding-DNA position 410, T replaced by C.
Protein change: p.Met137Thr; replaces methionine 137 with threonine.
Molecular consequence: missense variant. On other transcripts: non-coding transcript variant (1).
Genome position (GRCh38, 1-based): chr7:150,959,634, A>G on the plus strand (T>C on the coding strand, the complement: KCNH2 is on the minus strand). VCF-style: chr7-150959634-A-G. GRCh37 (hg19) VCF-style: chr7-150656722-A-G.
Other names: c.122T>C, p.Met41Thr (NM_001406753.1, NM_001406756.1); c.233T>C, p.Met78Thr (NM_001406755.1); c.110T>C, p.Met37Thr (NM_001406757.1); c.410T>C, p.Met137Thr (NM_172056.3); short protein forms M137T, M37T, M41T, M78T.
Identifiers: ClinVar variation 3072574 (VCV003072574.1), dbSNP rs1801498312, ClinGen allele CA369863710.

ClinVar aggregate classification (germline): Uncertain significance (1 of 4 stars; one submission).

Conditions:
Long QT syndrome (LQTS). Identifiers: MedGen C0023976, MeSH D008133, MONDO:0002442. Disease mechanism: loss of function. Inheritance: Various modes of inheritance.

Submission:

All of Us Research Program, National Institutes of Health
Classification: Uncertain significance for Long QT syndrome. Last evaluated: 2023-08-15. Review status: criteria provided, single submitter. Criteria: ACMG Guidelines, 2015. Collection method: clinical testing. Allele origin: germline. Inheritance: Autosomal dominant inheritance. Observed: 1 variant allele, 1 heterozygote.
Comment: This study involves interpretation of variants in research participants for the purpose of population health screening. Participant phenotype was not available at the time of variant classification. Additional details can be found in publication PMID: 35346344, PMCID: PMC8962531